The following is an entry in ClinVar:

NM_138409.4(MRAP2):c.127+10A>G

Gene: MRAP2 (melanocortin 2 receptor accessory protein 2; plus strand). Cytogenetic location: 6q14.2.
Variant type: single nucleotide variant.
Coding change: c.127+10A>G on transcript NM_138409.4 (MANE Select); 10 bases into the intron after coding-DNA position 127, A replaced by G.
Molecular consequence: intron variant.
Genome position (GRCh38, 1-based): chr6:84,055,455, A>G. VCF-style: chr6-84055455-A-G. GRCh37 (hg19) VCF-style: chr6-84765174-A-G.
Other names: c.127+10A>G (NM_001346542.2, NM_001346544.2); c.-133+10A>G (NM_001346543.2); c.-32+10A>G (NM_001346541.2).
Identifiers: ClinVar variation 3052042 (VCV003052042.2), dbSNP rs2099491448, ClinGen allele CA1642813046.
Genomic context (GRCh38, chr6:84,055,455, plus strand): 5'-AATATTATGAGATTGGACCAGTTTCCTTTGAAGGACTGAAGGCTCATAAATGTAAGTTTT[A>G]TACAATTCCTCATTGAAAGCATAATTGTATTTCTCTTAACCTGTGAAATCCCCAAGGATT-3'

ClinVar aggregate classification (germline): Likely benign (0 of 4 stars; one submission).

Conditions:
MRAP2-related disorder. Also called: MRAP2-related condition.

Allele frequency attached by ClinVar (database versions not stated): gnomAD exomes below 0.00001; TOPMed below 0.00001.
gnomAD v4.1: 2 of 1,609,780 alleles (0.00012%); highest among the groups gnomAD compares: African/African-American, 0.0013%; no homozygotes.

Submission:

PreventionGenetics, part of Exact Sciences
Classification: Likely benign for MRAP2-related condition. Last evaluated: 2023-03-14. Review status: no assertion criteria provided. Collection method: clinical testing. Allele origin: germline.
Comment: This variant is classified as likely benign based on ACMG/AMP sequence variant interpretation guidelines (Richards et al. 2015 PMID: 25741868, with internal and published modifications).